The following is an entry in ClinVar:

ClinVar aggregate classification (germline): Benign/Likely benign. Review status: criteria provided, multiple submitters, no conflicts (2 of 4 stars). 2 submissions from 2 submitters: Benign (1); Likely benign (1). Last evaluated 2026-02-03.

Conditions:
Neuropathy, hereditary sensory, type 2C. Also called: KIF1A-Related HSAN2 (HSAN2C); Hereditary sensory and autonomic neuropathy type IIC. Identifiers: Orphanet 970, MedGen C3280168, MONDO:0013634, OMIM 614213.
Intellectual disability, autosomal dominant 9 (NESCAVS). Also called: NESCAV SYNDROME; KIF1A-Related Neurodevelopmental Disorder. Identifiers: Orphanet 662367, MedGen C5393830, MONDO:0013656, OMIM 614255.
Hereditary spastic paraplegia 30. Identifiers: Orphanet 101010, MedGen C5235139, MONDO:0012476.

Allele frequency attached by ClinVar (database versions not stated): gnomAD exomes 0.00036 and 0.00094; ExAC 0.00100; 1000 Genomes Project 0.00180; 1000 Genomes Project 30x 0.00203; gnomAD 0.00212 and 0.00233; ESP Exome Variant Server 0.00230; TOPMed 0.00254.
gnomAD v4.1: 893 of 1,607,838 alleles (0.056%); highest among the groups gnomAD compares: African/African-American, 0.68%; 2 homozygotes.

Submissions (2):

Labcorp Genetics (formerly Invitae), Labcorp
Classification: Benign for Hereditary spastic paraplegia 30; Neuropathy, hereditary sensory, type 2C; Intellectual disability, autosomal dominant 9. Last evaluated: 2026-02-03. Review status: criteria provided, single submitter. Criteria: Invitae Variant Classification Sherloc (09022015). Collection method: clinical testing. Allele origin: germline.

GeneDx
Classification: Likely benign. Last evaluated: 2017-05-30. Review status: criteria provided, single submitter. Criteria: GeneDx Variant Classification (06012015). Collection method: clinical testing. Allele origin: germline. Affected: yes.
Comment: This variant is considered likely benign or benign based on one or more of the following criteria: it is a conservative change, it occurs at a poorly conserved position in the protein, it is predicted to be benign by multiple in silico algorithms, and/or has population frequency not consistent with disease.

NM_001244008.2(KIF1A):c.1421+19G>A

Gene: KIF1A (kinesin family member 1A; minus strand). Cytogenetic location: 2q37.3.
Variant type: single nucleotide variant.
Coding change: c.1421+19G>A on transcript NM_001244008.2 (MANE Select); 19 bases into the intron after coding-DNA position 1421, G replaced by A.
Molecular consequence: intron variant.
Genome position (GRCh38, 1-based): chr2:240,769,608, C>T on the plus strand (G>A on the coding strand, the complement: KIF1A is on the minus strand). VCF-style: chr2-240769608-C-T. GRCh37 (hg19) VCF-style: chr2-241709025-C-T.
Other names: c.1394+19G>A (NM_001379653.1, NM_001379650.1, NM_001379645.1 and 10 more transcripts); c.1496+19G>A (NM_001379635.1, NM_001330290.2, NM_001379646.1 and 2 more transcripts); c.1469+19G>A (NM_001379637.1, NM_001379648.1); c.1421+19G>A (NM_001320705.2, NM_001379638.1, NM_001330289.2).
Identifiers: ClinVar variation 389524 (VCV000389524.9), dbSNP rs200809257, ClinGen allele CA2208409.